The following is an entry in ClinVar:

ClinVar aggregate classification (germline): Likely pathogenic (1 of 4 stars; one submission).

gnomAD v4.1: 1 of 1,614,008 alleles (0.000062%); highest among the groups gnomAD compares: Non-Finnish European, 0.000085%; no homozygotes.

Submission:

GeneDx
Classification: Likely pathogenic. Last evaluated: 2025-07-31. Review status: criteria provided, single submitter. Criteria: GeneDx Variant Classification Process June 2021. Collection method: clinical testing. Allele origin: germline. Affected: yes.
Comment: Not observed at significant frequency in large population cohorts (gnomAD); In silico analysis supports that this missense variant has a deleterious effect on protein structure/function; Has not been previously published as pathogenic or benign to our knowledge

NM_001148.6(ANK2):c.4846T>C (p.Cys1616Arg)

Gene: ANK2 (ankyrin 2; plus strand). Cytogenetic location: 4q26.
Variant type: single nucleotide variant.
Coding change: c.4846T>C on transcript NM_001148.6 (MANE Select); coding-DNA position 4846, T replaced by C.
Protein change: p.Cys1616Arg; replaces cysteine 1616 with arginine.
Molecular consequence: missense variant. On other transcripts: intron variant (68).
Genome position (GRCh38, 1-based): chr4:113,353,464, T>C. VCF-style: chr4-113353464-T-C. GRCh37 (hg19) VCF-style: chr4-114274620-T-C.
Other names: c.4612T>C, p.Cys1538Arg (NM_001386142.1); c.1246T>C, p.Cys416Arg (NM_001386166.1); c.4987T>C, p.Cys1663Arg (NM_001386174.1); c.4963T>C, p.Cys1655Arg (NM_001386175.1); c.4411+3215T>C (NM_001386186.2, NM_001386148.2); c.4213+3215T>C (NM_001354269.3); c.4291+3215T>C (NM_001386187.2); c.4252+3215T>C (NM_001386147.1); and 35 more; short protein forms C1538R, C1616R, C1655R, C1663R, C416R.
Identifiers: ClinVar variation 4689790 (VCV004689790.1).